The following is an entry in ClinVar:

NM_015215.4(CAMTA1):c.1681A>T (p.Thr561Ser)

Gene: CAMTA1 (calmodulin binding transcription activator 1; plus strand). Cytogenetic location: 1p36.23.
Variant type: single nucleotide variant.
Coding change: c.1681A>T on transcript NM_015215.4 (MANE Select); coding-DNA position 1681, A replaced by T.
Protein change: p.Thr561Ser; replaces threonine 561 with serine.
Molecular consequence: missense variant.
Genome position (GRCh38, 1-based): chr1:7,664,228, A>T. VCF-style: chr1-7664228-A-T. GRCh37 (hg19) VCF-style: chr1-7724288-A-T.
Other names: c.1591A>T, p.Thr531Ser (NM_001349608.2, NM_001349612.2); c.1681A>T, p.Thr561Ser (NM_001349609.2, NM_001349610.2, NM_001410737.1); c.1609A>T, p.Thr537Ser (NM_001410738.1); short protein forms T531S, T537S, T561S.
Identifiers: ClinVar variation 2509057 (VCV002509057.17), dbSNP rs560369574, ClinGen allele CA566490.
Genomic context (GRCh38, chr1:7,664,228, plus strand): 5'-CAGCAGATGGCCAAAGAAGCGTACTCCTCCTCCGCGGCGGCTGTGGCAGCCAGCTCCCTC[A>T]CCCTGACCGCCGGCTCCAGCCTCCTGCCGTCGGGCGGCGGCCTGAGTCCCAGCACCACCC-3'
Protein context (NP_056030.1, residues 551-571): SAAAVAASSL[Thr561Ser]LTAGSSLLPS

ClinVar aggregate classification (germline): Conflicting classifications of pathogenicity. Review status: criteria provided, conflicting classifications (1 of 4 stars). 3 submissions from 3 submitters: Uncertain significance (1); Likely benign (2). Last evaluated 2024-12-01.

Conditions:
Inborn genetic diseases. Identifiers: MedGen C0950123, MeSH D030342.

Allele frequency attached by ClinVar (database versions not stated): TOPMed 0.00001; gnomAD 0.00003; gnomAD exomes 0.00003; ExAC 0.00009; 1000 Genomes Project 30x 0.00016; 1000 Genomes Project 0.00020.
gnomAD v4.1: 52 of 1,612,290 alleles (0.0032%); highest among the groups gnomAD compares: South Asian, 0.023%; no homozygotes.

Submissions (3):

CeGaT Center for Human Genetics Tuebingen
Classification: Likely benign. Last evaluated: 2024-12-01. Review status: criteria provided, single submitter. Criteria: CeGaT Center For Human Genetics Tuebingen Variant Classification Criteria Version 2. Collection method: clinical testing. Allele origin: germline. Affected: yes. Observed: 1 variant allele.
Comment: CAMTA1: BP4, BS2

Labcorp Genetics (formerly Invitae), Labcorp
Classification: Uncertain significance. Last evaluated: 2024-03-04. Review status: criteria provided, single submitter. Criteria: Invitae Variant Classification Sherloc (09022015). Collection method: clinical testing. Allele origin: germline.
Comment: This sequence change replaces threonine, which is neutral and polar, with serine, which is neutral and polar, at codon 561 of the CAMTA1 protein (p.Thr561Ser). This variant is present in population databases (rs560369574, gnomAD 0.03%), and has an allele count higher than expected for a pathogenic variant. This variant has not been reported in the literature in individuals affected with CAMTA1-related conditions. ClinVar contains an entry for this variant (Variation ID: 2509057). Algorithms developed to predict the effect of missense changes on protein structure and function output the following: SIFT: "Not Available"; PolyPhen-2: "Benign"; Align-GVGD: "Not Available". The serine amino acid residue is found in multiple mammalian species, which suggests that this missense change does not adversely affect protein function. In summary, the available evidence is currently insufficient to determine the role of this variant in disease. Therefore, it has been classified as a Variant of Uncertain Significance.

Ambry Genetics
Classification: Likely benign for Inborn genetic diseases. Last evaluated: 2023-05-03. Review status: criteria provided, single submitter. Criteria: Ambry Variant Classification Scheme 2023. Collection method: clinical testing. Allele origin: germline.